The following is an entry in ClinVar:

NM_001374259.2(IL12RB2):c.707A>G (p.Lys236Arg)

Gene: IL12RB2 (interleukin 12 receptor subunit beta 2; plus strand). Cytogenetic location: 1p31.3.
Variant type: single nucleotide variant.
Coding change: c.707A>G on transcript NM_001374259.2 (MANE Select); coding-DNA position 707, A replaced by G.
Protein change: p.Lys236Arg; replaces lysine 236 with arginine.
Molecular consequence: missense variant. On other transcripts: non-coding transcript variant (2).
Genome position (GRCh38, 1-based): chr1:67,329,629, A>G. VCF-style: chr1-67329629-A-G. GRCh37 (hg19) VCF-style: chr1-67795312-A-G.
Other names: c.707A>G, p.Lys236Arg (NM_001258214.1, NM_001258215.1, NM_001258216.1 and 2 more transcripts); short protein forms K236R.
Identifiers: ClinVar variation 4811181 (VCV004811181.1).

ClinVar aggregate classification (germline): Uncertain significance (1 of 4 stars; one submission).

gnomAD v4.1: 5 of 1,580,096 alleles (0.00032%); highest among the groups gnomAD compares: Admixed American, 0.005%; no homozygotes.

Submission:

Labcorp Genetics (formerly Invitae), Labcorp
Classification: Uncertain significance. Last evaluated: 2025-02-10. Review status: criteria provided, single submitter. Criteria: Invitae Variant Classification Sherloc (09022015). Collection method: clinical testing. Allele origin: germline.
Comment: This sequence change replaces lysine, which is basic and polar, with arginine, which is basic and polar, at codon 236 of the IL12RB2 protein (p.Lys236Arg). This variant is present in population databases (rs201771864, gnomAD 0.003%). This variant has not been reported in the literature in individuals affected with IL12RB2-related conditions. An algorithm developed to predict the effect of missense changes on protein structure and function (PolyPhen-2) suggests that this variant is likely to be tolerated. In summary, the available evidence is currently insufficient to determine the role of this variant in disease. Therefore, it has been classified as a Variant of Uncertain Significance.